The following is an entry in ClinVar:

NM_003072.5(SMARCA4):c.2438+5G>A

Gene: SMARCA4 (SWI/SNF related BAF chromatin remodeling complex subunit ATPase 4; plus strand). Cytogenetic location: 19p13.2.
Variant type: single nucleotide variant.
Coding change: c.2438+5G>A on transcript NM_003072.5 (MANE Select); 5 bases into the intron after coding-DNA position 2438, G replaced by A.
Molecular consequence: intron variant.
Genome position (GRCh38, 1-based): chr19:11,013,117, G>A. VCF-style: chr19-11013117-G-A. GRCh37 (hg19) VCF-style: chr19-11123793-G-A.
Other names: c.2438+5G>A (NM_001128844.3, NM_001128849.3, NM_001128847.4 and 5 more transcripts).
Identifiers: ClinVar variation 1791251 (VCV001791251.2), dbSNP rs2146281925, ClinGen allele CA2580096288.
Genomic context (GRCh38, chr19:11,013,117, plus strand): 5'-TACCTCATGGAGCACAAACGCATCAATGGGCCCTTCCTCATCATCGTGCCTCTCTCGTGA[G>A]TACCCGCTGCCAGCAACATCCCACACGCCGCTCACACGCTCCTGTGTTTGTTTCCTAAGT-3'

ClinVar aggregate classification (germline): Uncertain significance (1 of 4 stars; one submission).

Conditions:
Hereditary cancer-predisposing syndrome. Also called: Hereditary Cancer Syndrome; Hereditary neoplastic syndrome; Tumor predisposition; Neoplastic Syndromes, Hereditary. Identifiers: Orphanet 140162, MedGen C0027672, MeSH D009386, MONDO:0015356.

Submission:

Ambry Genetics
Classification: Uncertain significance for Hereditary cancer-predisposing syndrome. Last evaluated: 2020-09-17. Review status: criteria provided, single submitter. Criteria: Ambry Variant Classification Scheme 2023. Collection method: clinical testing. Allele origin: germline.
Comment: The c.2438+5G>A intronic variant results from a G to A substitution 5 nucleotides after coding exon 15 in the SMARCA4 gene. This nucleotide position is highly conserved in available vertebrate species. In silico splice site analysis predicts that this alteration will weaken the native splice donor site. Since supporting evidence is limited at this time, the clinical significance of this alteration remains unclear.